The following is an entry in ClinVar:

NM_001365999.1(SZT2):c.5336T>C (p.Phe1779Ser)

Gene: SZT2 (SZT2 subunit of KICSTOR complex; plus strand). Cytogenetic location: 1p34.2.
Variant type: single nucleotide variant.
Coding change: c.5336T>C on transcript NM_001365999.1 (MANE Select); coding-DNA position 5336, T replaced by C.
Protein change: p.Phe1779Ser; replaces phenylalanine 1779 with serine.
Molecular consequence: missense variant.
Genome position (GRCh38, 1-based): chr1:43,432,333, T>C. VCF-style: chr1-43432333-T-C. GRCh37 (hg19) VCF-style: chr1-43898004-T-C.
Other names: c.5165T>C, p.Phe1722Ser (NM_015284.4); short protein forms F1722S, F1779S.
Identifiers: ClinVar variation 839101 (VCV000839101.5), dbSNP rs1653993096, ClinGen allele CA340024861.

ClinVar aggregate classification (germline): Uncertain significance (1 of 4 stars; one submission).

Allele frequency attached by ClinVar (database versions not stated): TOPMed below 0.00001; gnomAD 0.00001.
gnomAD v4.1: 4 of 1,605,786 alleles (0.00025%); highest among the groups gnomAD compares: Admixed American, 0.0052%; no homozygotes.

Submission:

Labcorp Genetics (formerly Invitae), Labcorp
Classification: Uncertain significance. Last evaluated: 2022-03-25. Review status: criteria provided, single submitter. Criteria: Invitae Variant Classification Sherloc (09022015). Collection method: clinical testing. Allele origin: germline.
Comment: In summary, the available evidence is currently insufficient to determine the role of this variant in disease. Therefore, it has been classified as a Variant of Uncertain Significance. Algorithms developed to predict the effect of sequence changes on RNA splicing suggest that this variant may disrupt the consensus splice site. Algorithms developed to predict the effect of missense changes on protein structure and function are either unavailable or do not agree on the potential impact of this missense change (SIFT: "Deleterious"; PolyPhen-2: "Benign"; Align-GVGD: "Class C55"). ClinVar contains an entry for this variant (Variation ID: 839101). This variant has not been reported in the literature in individuals affected with SZT2-related conditions. This variant is not present in population databases (gnomAD no frequency). This sequence change replaces phenylalanine, which is neutral and non-polar, with serine, which is neutral and polar, at codon 1722 of the SZT2 protein (p.Phe1722Ser).